The following is an entry in ClinVar:

NM_000138.5(FBN1):c.8140G>A (p.Ala2714Thr)

Gene: FBN1 (fibrillin 1; minus strand). Cytogenetic location: 15q21.1.
Variant type: single nucleotide variant.
Coding change: c.8140G>A on transcript NM_000138.5 (MANE Select); coding-DNA position 8140, G replaced by A.
Protein change: p.Ala2714Thr; replaces alanine 2714 with threonine.
Molecular consequence: missense variant.
Genome position (GRCh38, 1-based): chr15:48,412,655, C>T on the plus strand (G>A on the coding strand, the complement: FBN1 is on the minus strand). VCF-style: chr15-48412655-C-T. GRCh37 (hg19) VCF-style: chr15-48704852-C-T.
Other names: short protein forms A2714T.
Identifiers: ClinVar variation 919280 (VCV000919280.6), dbSNP rs766170041, ClinGen allele CA392321191.

ClinVar aggregate classification (germline): Uncertain significance. Review status: criteria provided, multiple submitters, no conflicts (2 of 4 stars). 2 submissions from 2 submitters: Uncertain significance (2). Last evaluated 2022-12-13.

Conditions:
Familial thoracic aortic aneurysm and aortic dissection (TAAD). Also called: Thoracic aortic aneurysms and dissections. Identifiers: Orphanet 91387, MedGen C4707243, MONDO:0019625.
Marfan syndrome (MFS). Also called: Marfan syndrome, classic; Marfan syndrome type 1; Marfan's syndrome; FBN1-Related Marfan Syndrome; MARFAN SYNDROME, TYPE I. Identifiers: Orphanet 284963, Orphanet 558, MedGen C0024796, MONDO:0007947, OMIM 154700.

Submissions (2):

Labcorp Genetics (formerly Invitae), Labcorp
Classification: Uncertain significance for Marfan syndrome; Familial thoracic aortic aneurysm and aortic dissection. Last evaluated: 2022-12-13. Review status: criteria provided, single submitter. Criteria: Invitae Variant Classification Sherloc (09022015). Collection method: clinical testing. Allele origin: germline.
Comment: In summary, the available evidence is currently insufficient to determine the role of this variant in disease. Therefore, it has been classified as a Variant of Uncertain Significance. Advanced modeling of protein sequence and biophysical properties (such as structural, functional, and spatial information, amino acid conservation, physicochemical variation, residue mobility, and thermodynamic stability) performed at Invitae indicates that this missense variant is not expected to disrupt FBN1 protein function. ClinVar contains an entry for this variant (Variation ID: 919280). This variant has not been reported in the literature in individuals affected with FBN1-related conditions. This variant is not present in population databases (gnomAD no frequency). This sequence change replaces alanine, which is neutral and non-polar, with threonine, which is neutral and polar, at codon 2714 of the FBN1 protein (p.Ala2714Thr).

Color Diagnostics, LLC DBA Color Health
Classification: Uncertain significance for Familial thoracic aortic aneurysm and aortic dissection. Last evaluated: 2019-03-07. Review status: criteria provided, single submitter. Criteria: ACMG Guidelines, 2015. Collection method: clinical testing. Allele origin: germline.
Comment: Variant of Uncertain Significance due to insufficient evidence: This missense variant replaces alanine with threonine at codon 2714 of the FBN1 protein. Computational prediction tools and conservation analyses are inconclusive regarding the impact of this variant on the protein function. Computational splicing tools suggest that this variant may not impact RNA splicing. To our knowledge, functional assays have not been performed for this variant nor has this variant been reported in individuals affected with cardiovascular disorders in the literature. This variant is rare in the general population and has been identified in 0/277264 chromosomes by the Genome Aggregation Database (gnomAD). Available evidence is insufficient to determine the role of this variant in disease conclusively.